The following is an entry in ClinVar:

NM_033380.3(COL4A5):c.3373+2T>C

Gene: COL4A5 (collagen type IV alpha 5 chain; plus strand). Cytogenetic location: Xq22.3.
Variant type: single nucleotide variant.
Coding change: c.3373+2T>C on transcript NM_033380.3 (MANE Select); the canonical splice donor site of the intron after coding-DNA position 3373, T replaced by C.
Molecular consequence: splice donor variant.
Genome position (GRCh38, 1-based): chrX:108,655,459, T>C. VCF-style: chrX-108655459-T-C. GRCh37 (hg19) VCF-style: chrX-107898689-T-C.
Other names: c.3373+2T>C (NM_000495.5).
Identifiers: ClinVar variation 1500305 (VCV001500305.6), dbSNP rs2147935467, ClinGen allele CA413857676.

ClinVar aggregate classification (germline): Likely pathogenic (1 of 4 stars; one submission).

Submission:

Labcorp Genetics (formerly Invitae), Labcorp
Classification: Likely pathogenic. Last evaluated: 2021-10-02. Review status: criteria provided, single submitter. Criteria: Invitae Variant Classification Sherloc (09022015). Collection method: clinical testing. Allele origin: germline.
Comment: In summary, the currently available evidence indicates that the variant is pathogenic, but additional data are needed to prove that conclusively. Therefore, this variant has been classified as Likely Pathogenic. Algorithms developed to predict the effect of sequence changes on RNA splicing suggest that this variant may disrupt the consensus splice site. Disruption of this splice site has been observed in individual(s) with X-linked Alport syndrome (PMID: 32159412). This variant is not present in population databases (ExAC no frequency). This sequence change affects a donor splice site in intron 37 of the COL4A5 gene. It is expected to disrupt RNA splicing. Variants that disrupt the donor or acceptor splice site typically lead to a loss of protein function (PMID: 16199547), and loss-of-function variants in COL4A5 are known to be pathogenic (PMID: 9195222, 10752524, 14514738, 24854265, 26809805).

Literature cited by the submitters: PubMed 32159412; PubMed 16199547; PubMed 9195222; PubMed 10752524; PubMed 14514738; PubMed 24854265; PubMed 26809805.